The following is an entry in ClinVar:

ClinVar aggregate classification (germline): Uncertain significance (1 of 4 stars; one submission).

Conditions:
Cardiovascular phenotype. Identifiers: MedGen CN230736.

Submission:

Ambry Genetics
Classification: Uncertain significance for Cardiovascular phenotype. Last evaluated: 2025-03-23. Review status: criteria provided, single submitter. Criteria: Ambry Variant Classification Scheme 2023. Collection method: clinical testing. Allele origin: germline.
Comment: The p.T454S variant (also known as c.1361C>G), located in coding exon 5 of the PKP2 gene, results from a C to G substitution at nucleotide position 1361. The threonine at codon 454 is replaced by serine, an amino acid with similar properties. This amino acid position is conserved. In addition, this alteration is predicted to be tolerated by in silico analysis. Based on the available evidence, the clinical significance of this variant remains unclear.

NM_001005242.3(PKP2):c.1361C>G (p.Thr454Ser)

Gene: PKP2 (plakophilin 2; minus strand). Cytogenetic location: 12p11.21.
Variant type: single nucleotide variant.
Coding change: c.1361C>G on transcript NM_001005242.3 (MANE Select); coding-DNA position 1361, C replaced by G.
Protein change: p.Thr454Ser; replaces threonine 454 with serine.
Molecular consequence: missense variant.
Genome position (GRCh38, 1-based): chr12:32,850,783, G>C on the plus strand (C>G on the coding strand, the complement: PKP2 is on the minus strand). VCF-style: chr12-32850783-G-C. GRCh37 (hg19) VCF-style: chr12-33003717-G-C.
Other names: c.1361C>G, p.Thr454Ser (NM_001407155.1, NM_001407156.1, NM_001407157.1 and 2 more transcripts); c.1034C>G, p.Thr345Ser (NM_001407158.1, NM_001407159.1, NM_001407160.1 and 1 more transcripts); short protein forms T454S, T345S.
Identifiers: ClinVar variation 3933311 (VCV003933311.1).